The following is an entry in ClinVar:

NM_001025295.3(IFITM5):c.88C>T (p.His30Tyr)

Gene: IFITM5 (interferon induced transmembrane protein 5; minus strand). Cytogenetic location: 11p15.5.
Variant type: single nucleotide variant.
Coding change: c.88C>T on transcript NM_001025295.3 (MANE Select); coding-DNA position 88, C replaced by T.
Protein change: p.His30Tyr; replaces histidine 30 with tyrosine.
Molecular consequence: missense variant.
Genome position (GRCh38, 1-based): chr11:299,403, G>A on the plus strand (C>T on the coding strand, the complement: IFITM5 is on the minus strand). VCF-style: chr11-299403-G-A. GRCh37 (hg19) VCF-style: chr11-299403-G-A.
Other names: short protein forms H30Y.
Identifiers: ClinVar variation 3700375 (VCV003700375.2).

ClinVar aggregate classification (germline): Uncertain significance (1 of 4 stars; one submission).

Submission:

Labcorp Genetics (formerly Invitae), Labcorp
Classification: Uncertain significance. Last evaluated: 2024-11-11. Review status: criteria provided, single submitter. Criteria: Invitae Variant Classification Sherloc (09022015). Collection method: clinical testing. Allele origin: germline.
Comment: This sequence change replaces histidine, which is basic and polar, with tyrosine, which is neutral and polar, at codon 30 of the IFITM5 protein (p.His30Tyr). This variant is not present in population databases (gnomAD no frequency). This variant has not been reported in the literature in individuals affected with IFITM5-related conditions. An algorithm developed to predict the effect of missense changes on protein structure and function (PolyPhen-2) suggests that this variant is likely to be tolerated. In summary, the available evidence is currently insufficient to determine the role of this variant in disease. Therefore, it has been classified as a Variant of Uncertain Significance.